The following is an entry in ClinVar:

NM_001903.5(CTNNA1):c.103_104dup (p.Gln35fs)

Gene: CTNNA1 (catenin alpha 1; plus strand). Cytogenetic location: 5q31.2.
Variant type: Microsatellite.
Coding change: c.103_104dup on transcript NM_001903.5 (MANE Select); coding-DNA positions 103 to 104, 2 bases duplicated (CA; older notation c.103_104dupCA).
Protein change: p.Gln35fs; shifts the reading frame from glutamine 35.
Molecular consequence: frameshift variant. On other transcripts: 5 prime UTR variant (2).
Genome position (GRCh38, 1-based): chr5:138,782,027-138,782,028, CA duplicated; duplicating any 2 consecutive bases within chr5:138,782,024-138,782,028 gives the same sequence; the c. name uses the placement nearest the transcript's 3' end. VCF-style (leftmost placement, unchanged base first): chr5-138782023-T-TAC. GRCh37 (hg19) VCF-style: chr5-138117712-T-TAC.
Other names: c.103_104dup, p.Gln35fs (NM_001290307.3, NM_001323982.2, NM_001323983.1 and 3 more transcripts); c.-13CA[3] (NM_001290309.3); c.-106CA[3] (NM_001290310.3); short protein forms Q35fs.
Identifiers: ClinVar variation 5042238 (VCV005042238.1).

ClinVar aggregate classification (germline): Pathogenic (1 of 4 stars; one submission).

Conditions:
Hereditary diffuse gastric adenocarcinoma (HDGC). Also called: DIFFUSE GASTRIC AND LOBULAR BREAST CANCER SYNDROME. Identifiers: Orphanet 26106, MedGen C1708349, MONDO:0007648, OMIM 137215.

Submission:

Myriad Genetics, Inc.
Classification: Pathogenic for Hereditary diffuse gastric adenocarcinoma. Last evaluated: 2026-08-06. Review status: criteria provided, single submitter. Criteria: Myriad Autosomal Dominant, Autosomal Recessive and X-Linked Classification Criteria (2023). Collection method: clinical testing. Allele origin: unknown.
Comment: This variant is considered pathogenic. This variant creates a frameshift predicted to result in premature protein truncation.